The following is an entry in ClinVar:

ClinVar aggregate classification (germline): Benign/Likely benign. Review status: criteria provided, multiple submitters, no conflicts (2 of 4 stars). 2 submissions from 2 submitters: Benign (1); Likely benign (1). Last evaluated 2024-11-01.

Conditions:
Occult macular dystrophy (OCMD). Also called: OMD; OCCULT MACULAR DYSTROPHY, SUSCEPTIBILITY TO. Identifiers: Orphanet 247834, MedGen C3150833, MONDO:0013316, OMIM 613587, HP:0030636.

Allele frequency attached by ClinVar (database versions not stated): gnomAD exomes 0.00039 and 0.00109; ExAC 0.00127; gnomAD 0.00407 and 0.00497; 1000 Genomes Project 30x 0.00437; 1000 Genomes Project 0.00439; TOPMed 0.00542; ESP Exome Variant Server 0.00575.
gnomAD v4.1: 1,222 of 1,517,456 alleles (0.081%); highest among the groups gnomAD compares: African/African-American, 1.7%; 8 homozygotes.

Submissions (2):

Blueprint Genetics
Classification: Likely benign. Last evaluated: 2024-11-01. Review status: criteria provided, single submitter. Criteria: ACMG Guidelines, 2015. Collection method: clinical testing. Allele origin: germline.

Illumina Laboratory Services, Illumina
Classification: Benign for Occult macular dystrophy. Last evaluated: 2018-01-12. Review status: criteria provided, single submitter. Criteria: ICSL Variant Classification Criteria 13 December 2019. Collection method: clinical testing. Allele origin: germline.
Comment: This variant was observed in the ICSL laboratory as part of a predisposition screen in an ostensibly healthy population. It had not been previously curated by ICSL or reported in the Human Gene Mutation Database (HGMD: prior to June 1st, 2018), and was therefore a candidate for classification through an automated scoring system. Utilizing variant allele frequency, disease prevalence and penetrance estimates, and inheritance mode, an automated score was calculated to assess if this variant is too frequent to cause the disease. Based on the score and internal cut-off values, a variant classified as benign is not then subjected to further curation. The score for this variant resulted in a classification of benign for this disease.

NM_178857.6(RP1L1):c.6344G>A (p.Gly2115Asp)

Gene: RP1L1 (RP1 like 1). Cytogenetic location: 8p23.1.
Variant type: single nucleotide variant.
Coding change: c.6344G>A on transcript NM_178857.6 (MANE Select); coding-DNA position 6344, G replaced by A.
Protein change: p.Gly2115Asp; replaces glycine 2115 with aspartic acid.
Molecular consequence: missense variant.
Genome position (GRCh38, 1-based): chr8:10,607,754, C>T on the plus strand (G>A on the coding strand, the complement: RP1L1 is on the minus strand). VCF-style: chr8-10607754-C-T. GRCh37 (hg19) VCF-style: chr8-10465264-C-T.
Other names: short protein forms G2115D.
Identifiers: ClinVar variation 361225 (VCV000361225.6), dbSNP rs139374902, ClinGen allele CA4623365.